The following is an entry in ClinVar:

ClinVar aggregate classification (germline): Benign. Review status: criteria provided, multiple submitters, no conflicts (2 of 4 stars). 7 submissions from 6 submitters: Benign (7). Last evaluated 2026-02-04.

Conditions:
Epithelial recurrent erosion dystrophy (ERED). Also called: CORNEAL EROSIONS, RECURRING HEREDITARY. Identifiers: Orphanet 293381, MedGen C1852551, MONDO:0007381, OMIM 122400.
Junctional epidermolysis bullosa, non-Herlitz type. Also called: Adult junctional epidermolysis bullosa; COL17A1-Related Junctional Epidermolysis Bullosa; Epidermolysis bullosa, junctional, non-herlitz type, somatic mosaic revertant; EPIDERMOLYSIS BULLOSA JUNCTIONALIS, DISENTIS TYPE; EPIDERMOLYSIS BULLOSA JUNCTIONALIS, NON-HERLITZ TYPE; EPIDERMOLYSIS BULLOSA JUNCTIONALIS, PROGRESSIVE. Identifiers: Orphanet 251393, Orphanet 79402, Orphanet 79405, Orphanet 89840, MedGen C0268374, MONDO:0009180, OMIM 226650.

Allele frequency attached by ClinVar (database versions not stated): 1000 Genomes Project 30x 0.98517; 1000 Genomes Project 0.98602; ESP Exome Variant Server 0.98624; gnomAD 0.98672 and 0.98774; TOPMed 0.98682; ExAC 0.99643; gnomAD exomes 0.99711 and 0.99875.
gnomAD v4.1: 1,603,201 of 1,606,934 alleles (100%); highest among the groups gnomAD compares: East Asian, 100%; 799,808 homozygotes.

Submissions (7):

Labcorp Genetics (formerly Invitae), Labcorp
Classification: Benign. Last evaluated: 2026-02-04. Review status: criteria provided, single submitter. Criteria: Invitae Variant Classification Sherloc (09022015). Collection method: clinical testing. Allele origin: germline.

Genome-Nilou Lab
Classification: Benign for Junctional epidermolysis bullosa, non-Herlitz type. Last evaluated: 2021-07-22. Review status: criteria provided, single submitter. Criteria: ACMG Guidelines, 2015. Collection method: clinical testing. Allele origin: germline. Affected: no.

Genome-Nilou Lab
Classification: Benign for Epithelial recurrent erosion dystrophy. Last evaluated: 2021-07-22. Review status: criteria provided, single submitter. Criteria: ACMG Guidelines, 2015. Collection method: clinical testing. Allele origin: germline. Affected: no.

Illumina Laboratory Services, Illumina
Classification: Benign for Junctional epidermolysis bullosa, non-Herlitz type. Last evaluated: 2018-01-13. Review status: criteria provided, single submitter. Criteria: ICSL Variant Classification Criteria 13 December 2019. Collection method: clinical testing. Allele origin: germline.
Comment: This variant was observed in the ICSL laboratory as part of a predisposition screen in an ostensibly healthy population. It had not been previously curated by ICSL or reported in the Human Gene Mutation Database (HGMD: prior to June 1st, 2018), and was therefore a candidate for classification through an automated scoring system. Utilizing variant allele frequency, disease prevalence and penetrance estimates, and inheritance mode, an automated score was calculated to assess if this variant is too frequent to cause the disease. Based on the score and internal cut-off values, a variant classified as benign is not then subjected to further curation. The score for this variant resulted in a classification of benign for this disease.

GeneDx
Classification: Benign. Last evaluated: 2015-03-03. Review status: criteria provided, single submitter. Criteria: GeneDx Variant Classification Process June 2021. Collection method: clinical testing. Allele origin: germline. Affected: yes.

Breakthrough Genomics
Classification: Benign. Review status: criteria provided, single submitter. Criteria: ACMG Guidelines, 2015. Collection method: not provided. Allele origin: germline. Inheritance: Autosomal recessive inheritance. Affected: yes.

PreventionGenetics, part of Exact Sciences
Classification: Benign. Review status: criteria provided, single submitter. Criteria: ACMG Guidelines, 2015. Collection method: clinical testing. Allele origin: germline.

NM_000494.4(COL17A1):c.3261T>C (p.Ile1087=)

Gene: COL17A1 (collagen type XVII alpha 1 chain; minus strand). Cytogenetic location: 10q25.1.
Variant type: single nucleotide variant.
Coding change: c.3261T>C on transcript NM_000494.4 (MANE Select); coding-DNA position 3261, T replaced by C.
Protein change: p.Ile1087=; no amino-acid change (isoleucine 1087 retained).
Molecular consequence: synonymous variant.
Genome position (GRCh38, 1-based): chr10:104,037,061, A>G on the plus strand (T>C on the coding strand, the complement: COL17A1 is on the minus strand). VCF-style: chr10-104037061-A-G. GRCh37 (hg19) VCF-style: chr10-105796819-A-G.
Other names: c.3261T>C, p.Ile1087= (LRG_1249t1).
Identifiers: ClinVar variation 256273 (VCV000256273.18), dbSNP rs2476958, ClinGen allele CA5678048.
Genomic context (GRCh38, chr10:104,037,061, plus strand): 5'-AAGCAAAGATAGTCCCACCCTCGATCCCCCCACAGGTGACTCACGCTGCAGCACAGCCAG[A>G]ATGTCTTCAGAAGAGATGGAGGACGAGAACAAGCTGACACCGTACCCCGAAGCTGTCGGG-3'
Protein context (NP_000485.3, residues 1077-1097): LFSSSISSED[Ile1087=]LAVLQRDDVR